The following is an entry in ClinVar:

ClinVar aggregate classification (germline): Likely benign. Review status: criteria provided, single submitter (1 of 4 stars). 2 submissions from 2 submitters: Likely benign (1). 1 of the submissions does not count toward it. Last evaluated 2024-10-04.

Conditions:
PLXNA1-related disorder. Also called: PLXNA1-related condition.

Allele frequency attached by ClinVar (database versions not stated): TOPMed 0.00003; ESP Exome Variant Server 0.00008; gnomAD 0.00009; gnomAD exomes 0.00011; ExAC 0.00024; 1000 Genomes Project 30x 0.00062; 1000 Genomes Project 0.00080.
gnomAD v4.1: 178 of 1,601,894 alleles (0.011%); highest among the groups gnomAD compares: South Asian, 0.19%; 1 homozygote.

Submissions (2):

Blueprint Genetics
Classification: Likely benign. Last evaluated: 2024-10-04. Review status: criteria provided, single submitter. Criteria: ACMG Guidelines, 2015. Collection method: clinical testing. Allele origin: germline.

PreventionGenetics, part of Exact Sciences
Classification: Likely benign for PLXNA1-related condition. Last evaluated: 2023-07-18. Review status: no assertion criteria provided. Collection method: clinical testing. Allele origin: germline. Not counted in ClinVar's aggregate classification.
Comment: This variant is classified as likely benign based on ACMG/AMP sequence variant interpretation guidelines (Richards et al. 2015 PMID: 25741868, with internal and published modifications).

NM_032242.4(PLXNA1):c.168G>A (p.Val56=)

Gene: PLXNA1 (plexin A1; plus strand). Cytogenetic location: 3q21.3.
Variant type: single nucleotide variant.
Coding change: c.168G>A on transcript NM_032242.4 (MANE Select); coding-DNA position 168, G replaced by A.
Protein change: p.Val56=; no amino-acid change (valine 56 retained).
Molecular consequence: synonymous variant.
Genome position (GRCh38, 1-based): chr3:126,988,761, G>A. VCF-style: chr3-126988761-G-A. GRCh37 (hg19) VCF-style: chr3-126707604-G-A.
Identifiers: ClinVar variation 3047072 (VCV003047072.3), dbSNP rs369333170, ClinGen allele CA2592926.